The following is an entry in ClinVar:

ClinVar aggregate classification (germline): Benign/Likely benign. Review status: criteria provided, multiple submitters, no conflicts (2 of 4 stars). 9 submissions from 9 submitters: Benign (7); Likely benign (1). 1 of the submissions does not count toward it. Last evaluated 2026-02-03.

Conditions:
Dystrophin deficiency.
Duchenne muscular dystrophy (DMD). Also called: Duchenne Muscular Dystrophy (DMD); MUSCULAR DYSTROPHY, PSEUDOHYPERTROPHIC PROGRESSIVE, DUCHENNE TYPE. Identifiers: Orphanet 98896, MedGen C0013264, MONDO:0010679, OMIM 310200.

Allele frequency attached by ClinVar (database versions not stated): ESP Exome Variant Server 0.02055; gnomAD exomes 0.00155 and 0.00450; ExAC 0.00544; 1000 Genomes Project 0.01404; gnomAD 0.01406 and 0.01496; 1000 Genomes Project 30x 0.01519; TOPMed 0.01646.
gnomAD v4.1: 3,329 of 1,168,856 alleles (0.28%); highest among the groups gnomAD compares: African/African-American, 4.7%; 63 homozygotes.

Submissions (9):

Labcorp Genetics (formerly Invitae), Labcorp
Classification: Benign for Duchenne muscular dystrophy. Last evaluated: 2026-02-03. Review status: criteria provided, single submitter. Criteria: Invitae Variant Classification Sherloc (09022015). Collection method: clinical testing. Allele origin: germline.

ARUP Laboratories, Molecular Genetics and Genomics, ARUP Laboratories
Classification: Benign. Last evaluated: 2025-05-20. Review status: criteria provided, single submitter. Criteria: ARUP Molecular Germline Variant Investigation Process 2024. Collection method: clinical testing. Allele origin: germline.

Blueprint Genetics
Classification: Likely benign. Last evaluated: 2024-11-25. Review status: criteria provided, single submitter. Criteria: ACMG Guidelines, 2015. Collection method: clinical testing. Allele origin: germline.

Women's Health and Genetics/Laboratory Corporation of America, LabCorp
Classification: Benign. Last evaluated: 2020-03-30. Review status: criteria provided, single submitter. Criteria: LabCorp Variant Classification Summary - May 2015. Collection method: clinical testing. Allele origin: germline.
Comment: Variant summary: DMD c.4344+17A>T alters a non-conserved nucleotide located close to a canonical splice site and therefore could affect mRNA splicing, leading to a significantly altered protein sequence. 4/4 computational tools predict no significant impact on normal splicing. However, these predictions have yet to be confirmed by functional studies. The variant allele was found at a frequency of 0.0045 in 181704 control chromosomes, predominantly at a frequency of 0.052 within the African or African-American subpopulation in the gnomAD database, including 16 homozygotes. The observed variant frequency within African or African-American control individuals in the gnomAD database is approximately 4714 fold of the estimated maximal expected allele frequency for a pathogenic variant in DMD causing Dystrophinopathies phenotype (1.1e-05), strongly suggesting that the variant is a benign polymorphism found primarily in populations of African or African-American origin. To our knowledge, no experimental evidence demonstrating its impact on protein function have been reported. One ClinVar submitter (evaluation after 2014) cites the variant as benign. Based on the evidence outlined above, the variant was classified as benign.

Eurofins Ntd Llc (ga)
Classification: Benign. Last evaluated: 2016-01-25. Review status: criteria provided, single submitter. Criteria: EGL Classification Definitions 2015. Collection method: clinical testing. Allele origin: germline. Observed: 9 variant alleles, 2 heterozygotes, 1 homozygote, 6 hemizygotes.

GeneDx
Classification: Benign. Last evaluated: 2014-01-24. Review status: criteria provided, single submitter. Criteria: GeneDx Variant Classification (06012015). Collection method: clinical testing. Allele origin: germline. Affected: yes.
Comment: This variant is considered likely benign or benign based on one or more of the following criteria: it is a conservative change, it occurs at a poorly conserved position in the protein, it is predicted to be benign by multiple in silico algorithms, and/or has population frequency not consistent with disease.

Breakthrough Genomics
Classification: Benign. Review status: criteria provided, single submitter. Criteria: ACMG Guidelines, 2015. Collection method: not provided. Allele origin: germline. Inheritance: X-linked inheritance. Affected: yes.

PreventionGenetics, part of Exact Sciences
Classification: Benign. Review status: criteria provided, single submitter. Criteria: ACMG Guidelines, 2015. Collection method: clinical testing. Allele origin: germline.

Natera, Inc.
Classification: Benign for Dystrophin deficiency. Last evaluated: 2020-09-16. Review status: no assertion criteria provided. Collection method: clinical testing. Allele origin: germline. Not counted in ClinVar's aggregate classification.

NM_004006.3(DMD):c.4344+17A>T

Gene: DMD (dystrophin; minus strand). Cytogenetic location: Xp21.1.
Variant type: single nucleotide variant.
Coding change: c.4344+17A>T on transcript NM_004006.3 (MANE Select); 17 bases into the intron after coding-DNA position 4344, A replaced by T.
Molecular consequence: intron variant.
Genome position (GRCh38, 1-based): chrX:32,390,054, T>A on the plus strand (A>T on the coding strand, the complement: DMD is on the minus strand). VCF-style: chrX-32390054-T-A. GRCh37 (hg19) VCF-style: chrX-32408171-T-A.
Other names: c.4320+17A>T (NM_000109.4); c.321+17A>T (NM_004011.4); c.312+17A>T (NM_004012.4); c.4332+17A>T (NM_004009.3); c.3975+17A>T (NM_004010.3).
Identifiers: ClinVar variation 94620 (VCV000094620.28), dbSNP rs72468646, ClinGen allele CA285573.
Genomic context (GRCh38, chrX:32,390,054, plus strand): 5'-TAATCAAGTTGTCCAATATAGACTGGAGTATAATGCCCAACGAAAACACGTTCCTTAGTT[T>A]CTGAAATAACATATACCTGTGCAACATCAATCTGAGACAGGACTCTTTGGGCAGCCTCCT-3'